The following is an entry in ClinVar:

ClinVar aggregate classification (germline): Uncertain significance (1 of 4 stars; one submission).

Submission:

Labcorp Genetics (formerly Invitae), Labcorp
Classification: Uncertain significance. Last evaluated: 2020-12-21. Review status: criteria provided, single submitter. Criteria: Invitae Variant Classification Sherloc (09022015). Collection method: clinical testing. Allele origin: germline.
Comment: This sequence change replaces glutamic acid with lysine at codon 944 of the UNC45A protein (p.Glu944Lys). The glutamic acid residue is moderately conserved and there is a small physicochemical difference between glutamic acid and lysine. This variant is not present in population databases (ExAC no frequency). This variant has not been reported in the literature in individuals with UNC45A-related conditions. Algorithms developed to predict the effect of missense changes on protein structure and function output the following: SIFT: "Not Available"; PolyPhen-2: "Benign"; Align-GVGD: "Not Available". The lysine amino acid residue is found in multiple mammalian species, suggesting that this missense change does not adversely affect protein function. These predictions have not been confirmed by published functional studies and their clinical significance is uncertain. In summary, the available evidence is currently insufficient to determine the role of this variant in disease. Therefore, it has been classified as a Variant of Uncertain Significance.

NM_018671.5(UNC45A):c.2830G>A (p.Glu944Lys)

Genes: RCCD1-AS1 (RCCD1 and UNC45A antisense RNA 1; minus strand), UNC45A (unc-45 myosin chaperone A; plus strand). Cytogenetic location: 15q26.1.
Variant type: single nucleotide variant.
Coding change: c.2830G>A on transcript NM_018671.5 (MANE Select); coding-DNA position 2830, G replaced by A.
Protein change: p.Glu944Lys; replaces glutamic acid 944 with lysine.
Molecular consequence: missense variant.
Genome position (GRCh38, 1-based): chr15:90,953,711, G>A. VCF-style: chr15-90953711-G-A. GRCh37 (hg19) VCF-style: chr15-91496941-G-A.
Other names: c.2785G>A, p.Glu929Lys (NM_001039675.2, NM_001323621.2); c.2830G>A, p.Glu944Lys (NM_001323619.1); c.2395G>A, p.Glu799Lys (NM_001323620.2); short protein forms E799K, E929K, E944K.
Identifiers: ClinVar variation 1420145 (VCV001420145.6), dbSNP rs2151378396, ClinGen allele CA393863450.
Genomic context (GRCh38, chr15:90,953,711, plus strand): 5'-GCTGCAGCCTGCCTGGACAAAGCAGTGGAATATGGGCTTATCCAACCCAACCAAGATGGA[G>A]AGTGAGGGGGTTGTCCCTGGGCCCAAGGCTCATGCACACGCTACCTATTGTGGCACGGAG-3'
Protein context (NP_061141.2, residues 934-944): YGLIQPNQDG[Glu944Lys]